The following is an entry in ClinVar:

ClinVar aggregate classification (germline): Uncertain significance (1 of 4 stars; one submission).

Allele frequency attached by ClinVar (database versions not stated): gnomAD exomes below 0.00001; ExAC 0.00001; TOPMed 0.00002; gnomAD 0.00003.
gnomAD v4.1: 8 of 1,613,878 alleles (0.0005%); highest among the groups gnomAD compares: African/African-American, 0.0093%; no homozygotes.

Submission:

Labcorp Genetics (formerly Invitae), Labcorp
Classification: Uncertain significance. Last evaluated: 2023-04-09. Review status: criteria provided, single submitter. Criteria: Invitae Variant Classification Sherloc (09022015). Collection method: clinical testing. Allele origin: germline.
Comment: In summary, the available evidence is currently insufficient to determine the role of this variant in disease. Therefore, it has been classified as a Variant of Uncertain Significance. An algorithm developed to predict the effect of missense changes on protein structure and function (PolyPhen-2) suggests that this variant is likely to be disruptive. This variant has not been reported in the literature in individuals affected with MYO18B-related conditions. This variant is present in population databases (rs776769593, gnomAD 0.02%). This sequence change replaces leucine, which is neutral and non-polar, with valine, which is neutral and non-polar, at codon 859 of the MYO18B protein (p.Leu859Val).

NM_032608.7(MYO18B):c.2575C>G (p.Leu859Val)

Gene: MYO18B (myosin XVIIIB; plus strand). Cytogenetic location: 22q12.1.
Variant type: single nucleotide variant.
Coding change: c.2575C>G on transcript NM_032608.7 (MANE Select); coding-DNA position 2575, C replaced by G.
Protein change: p.Leu859Val; replaces leucine 859 with valine.
Molecular consequence: missense variant.
Genome position (GRCh38, 1-based): chr22:25,823,558, C>G. VCF-style: chr22-25823558-C-G. GRCh37 (hg19) VCF-style: chr22-26219525-C-G.
Other names: c.2575C>G, p.Leu859Val (NM_001318245.2); short protein forms L859V.
Identifiers: ClinVar variation 2965724 (VCV002965724.3), dbSNP rs776769593, ClinGen allele CA10160224.